The following is an entry in ClinVar:

ClinVar aggregate classification (germline): Uncertain significance (1 of 4 stars; one submission).

Conditions:
LAMA2-related muscular dystrophy (LAMA2-RD). Also called: Laminin alpha 2-related dystrophy. Identifiers: MedGen C5679788, MONDO:0100228.

gnomAD v4.1: 6 of 1,494,624 alleles (0.0004%); highest among the groups gnomAD compares: Non-Finnish European, 0.00056%; no homozygotes.

Submission:

Labcorp Genetics (formerly Invitae), Labcorp
Classification: Uncertain significance for LAMA2-related muscular dystrophy. Last evaluated: 2026-01-21. Review status: criteria provided, single submitter. Criteria: Invitae Variant Classification Sherloc (09022015). Collection method: clinical testing. Allele origin: germline.
Comment: This sequence change falls in intron 13 of the LAMA2 gene. It does not directly change the encoded amino acid sequence of the LAMA2 protein. It affects a nucleotide within the consensus splice site. This variant is present in population databases (no rsID available, gnomAD 0.0009%). This variant has not been reported in the literature in individuals affected with LAMA2-related conditions. ClinVar contains an entry for this variant (Variation ID: 2056308). Variants that disrupt the consensus splice site are a relatively common cause of aberrant splicing (PMID: 17576681, 9536098). Algorithms developed to predict the effect of sequence changes on RNA splicing suggest that this variant is not likely to affect RNA splicing. In summary, the available evidence is currently insufficient to determine the role of this variant in disease. Therefore, it has been classified as a Variant of Uncertain Significance.

Literature cited by the submitters: PubMed 17576681; PubMed 9536098.

NM_000426.4(LAMA2):c.1884+6G>A

Gene: LAMA2 (laminin subunit alpha 2; plus strand). Cytogenetic location: 6q22.33.
Variant type: single nucleotide variant.
Coding change: c.1884+6G>A on transcript NM_000426.4 (MANE Select); 6 bases into the intron after coding-DNA position 1884, G replaced by A.
Molecular consequence: intron variant.
Genome position (GRCh38, 1-based): chr6:129,250,219, G>A. VCF-style: chr6-129250219-G-A. GRCh37 (hg19) VCF-style: chr6-129571364-G-A.
Other names: c.1884+6G>A (NM_001079823.2).
Identifiers: ClinVar variation 2056308 (VCV002056308.2), dbSNP rs762743459, ClinGen allele CA570053437.
Genomic context (GRCh38, chr6:129,250,219, plus strand): 5'-TGAAGAAGAGGAAGAAGATACAGAACGTGTTCTCCAGCTTATGATTATCTTAGAGGTAGA[G>A]TACTGAGAGCATGTTCACCCGTGTTACTTCCTGATGTTACTTAAGGTTACCAGTACTGTA-3'